The following is an entry in ClinVar:

ClinVar aggregate classification (germline): Uncertain significance. Review status: criteria provided, multiple submitters, no conflicts (2 of 4 stars). 2 submissions from 2 submitters: Uncertain significance (2). Last evaluated 2026-01-06.

Conditions:
KDM2B-related neurodevelopmental disorder. Identifiers: MedGen CN380222, MONDO:0700363.
Inborn genetic diseases. Identifiers: MedGen C0950123, MeSH D030342.

gnomAD v4.1: 22 of 1,609,174 alleles (0.0014%); highest among the groups gnomAD compares: Middle Eastern, 0.017%; no homozygotes.

Submissions (2):

Dasa
Classification: Uncertain significance for KDM2B-related neurodevelopmental disorder. Last evaluated: 2026-01-06. Review status: criteria provided, single submitter. Criteria: DASA Assertion Criteria. Collection method: clinical testing. Allele origin: germline.
Comment: NM_032590.5(KDM2B):c.2554T>C (p.Phe852Leu) is a missense variant that results in the substitution of phenylalanine with leucine. This variant is rare in population databases. Computational prediction algorithms are consistent with a benign effect. The currently available literature and clinical evidence are not sufficient to establish a definitive association between this variant and the reported condition. Therefore, this variant is classified as a variant of uncertain significance.

Ambry Genetics
Classification: Uncertain significance for Inborn genetic diseases. Last evaluated: 2025-06-12. Review status: criteria provided, single submitter. Criteria: Ambry Variant Classification Scheme 2023. Collection method: clinical testing. Allele origin: germline.

NM_032590.5(KDM2B):c.2554T>C (p.Phe852Leu)

Gene: KDM2B (lysine demethylase 2B; minus strand). Cytogenetic location: 12q24.31.
Variant type: single nucleotide variant.
Coding change: c.2554T>C on transcript NM_032590.5 (MANE Select); coding-DNA position 2554, T replaced by C.
Protein change: p.Phe852Leu; replaces phenylalanine 852 with leucine.
Molecular consequence: missense variant. On other transcripts: intron variant (1).
Genome position (GRCh38, 1-based): chr12:121,443,691, A>G on the plus strand (T>C on the coding strand, the complement: KDM2B is on the minus strand). VCF-style: chr12-121443691-A-G. GRCh37 (hg19) VCF-style: chr12-121881494-A-G.
Other names: c.2358+321T>C (NM_001005366.2); short protein forms F852L.
Identifiers: ClinVar variation 4042207 (VCV004042207.3).